The following is an entry in ClinVar:

ClinVar aggregate classification (germline): Uncertain significance. Review status: criteria provided, multiple submitters, no conflicts (2 of 4 stars). 2 submissions from 2 submitters: Uncertain significance (2). Last evaluated 2026-03-18.

Submissions (2):

Women's Health and Genetics/Laboratory Corporation of America, LabCorp
Classification: Uncertain significance. Last evaluated: 2026-03-18. Review status: criteria provided, single submitter. Criteria: LabCorp Variant Classification Summary - May 2015. Collection method: clinical testing. Allele origin: germline.
Comment: Variant summary: PKD1 c.9202-3C>G alters a non-conserved nucleotide located close to a canonical splice site and therefore could affect mRNA splicing, leading to a significantly altered protein sequence. Several computational tools predict a significant impact on normal splicing: Three predict the variant abolishes a canonical 3' acceptor site, two predict the variant weakens a canonical 3' acceptor site, and four predict the variant creates a cryptic 3' acceptor site. However, these predictions have yet to be confirmed by functional studies. The frequency data for this variant in gnomAD is considered unreliable, as metrics indicate poor data quality at this position. c.9202-3C>G has been observed in at least one individual affected with polycystic kidney disease (example: Simms_2015). This report does not provide unequivocal conclusions about association of the variant with PKD1-related conditions. To our knowledge, no experimental evidence demonstrating an impact on protein function has been reported. The following publication has been ascertained in the context of this evaluation (PMID: 25340609). ClinVar contains an entry for this variant (Variation ID: 3340200). Based on the evidence outlined above, the variant was classified as uncertain significance.

GeneDx
Classification: Uncertain significance. Last evaluated: 2024-02-27. Review status: criteria provided, single submitter. Criteria: GeneDx Variant Classification Process June 2021. Collection method: clinical testing. Allele origin: germline. Affected: yes.
Comment: Not observed at significant frequency in large population cohorts (gnomAD); In silico analysis supports a deleterious effect on splicing; This variant is associated with the following publications: (PMID: 25340609)

Literature cited by the submitters: PubMed 25340609 (cited by Women's Health and Genetics/Laboratory Corporation of America, LabCorp).

NM_001009944.3(PKD1):c.9202-3C>G

Gene: PKD1 (polycystin 1, transient receptor potential channel interacting; minus strand). Cytogenetic location: 16p13.3.
Variant type: single nucleotide variant.
Coding change: c.9202-3C>G on transcript NM_001009944.3 (MANE Select); 3 bases into the intron before coding-DNA position 9202, C replaced by G.
Molecular consequence: intron variant.
Genome position (GRCh38, 1-based): chr16:2,102,259, G>C on the plus strand (C>G on the coding strand, the complement: PKD1 is on the minus strand). VCF-style: chr16-2102259-G-C. GRCh37 (hg19) VCF-style: chr16-2152260-G-C.
Other names: c.9202-3C>G (NM_000296.4).
Identifiers: ClinVar variation 3340200 (VCV003340200.2).